The following is an entry in ClinVar:

NM_017775.4(TTC19):c.734G>A (p.Arg245His)

Gene: TTC19 (tetratricopeptide repeat domain 19; plus strand). Cytogenetic location: 17p12.
Variant type: single nucleotide variant.
Coding change: c.734G>A on transcript NM_017775.4 (MANE Select); coding-DNA position 734, G replaced by A.
Protein change: p.Arg245His; replaces arginine 245 with histidine.
Molecular consequence: missense variant.
Genome position (GRCh38, 1-based): chr17:16,025,074, G>A. VCF-style: chr17-16025074-G-A. GRCh37 (hg19) VCF-style: chr17-15928388-G-A.
Other names: p.Arg245His; c.413G>A, p.Arg138His (NM_001271420.2); short protein forms R138H, R245H.
Identifiers: ClinVar variation 2420754 (VCV002420754.7), dbSNP rs371498054, ClinGen allele CA8407510.

ClinVar aggregate classification (germline): Uncertain significance. Review status: criteria provided, multiple submitters, no conflicts (2 of 4 stars). 2 submissions from 2 submitters: Uncertain significance (2). Last evaluated 2025-04-14.

Allele frequency attached by ClinVar (database versions not stated): ExAC 0.00007; gnomAD 0.00007; ESP Exome Variant Server 0.00008; gnomAD exomes 0.00025.
gnomAD v4.1: 364 of 1,613,774 alleles (0.023%); highest among the groups gnomAD compares: Non-Finnish European, 0.03%; 1 homozygote.

Submissions (2):

Mayo Clinic Laboratories, Mayo Clinic
Classification: Uncertain significance. Last evaluated: 2025-04-14. Review status: criteria provided, single submitter. Criteria: ACMG Guidelines, 2015. Collection method: clinical testing. Allele origin: germline. Observed: 1 variant allele.
Comment: PP3

Labcorp Genetics (formerly Invitae), Labcorp
Classification: Uncertain significance. Last evaluated: 2025-03-17. Review status: criteria provided, single submitter. Criteria: Invitae Variant Classification Sherloc (09022015). Collection method: clinical testing. Allele origin: germline.
Comment: This sequence change replaces arginine, which is basic and polar, with histidine, which is basic and polar, at codon 245 of the TTC19 protein (p.Arg245His). This variant is present in population databases (rs371498054, gnomAD 0.01%). This variant has not been reported in the literature in individuals affected with TTC19-related conditions. ClinVar contains an entry for this variant (Variation ID: 2420754). Invitae Evidence Modeling of protein sequence and biophysical properties (such as structural, functional, and spatial information, amino acid conservation, physicochemical variation, residue mobility, and thermodynamic stability) indicates that this missense variant is not expected to disrupt TTC19 protein function with a negative predictive value of 80%. Algorithms developed to predict the effect of sequence changes on RNA splicing suggest that this variant may create or strengthen a splice site. In summary, the available evidence is currently insufficient to determine the role of this variant in disease. Therefore, it has been classified as a Variant of Uncertain Significance.